The following is an entry in ClinVar:

NM_001017981.2(RNF215):c.1126G>A (p.Asp376Asn)

Gene: RNF215 (ring finger protein 215; minus strand). Cytogenetic location: 22q12.2.
Variant type: single nucleotide variant.
Coding change: c.1126G>A on transcript NM_001017981.2 (MANE Select); coding-DNA position 1126, G replaced by A.
Protein change: p.Asp376Asn; replaces aspartic acid 376 with asparagine.
Molecular consequence: missense variant.
Genome position (GRCh38, 1-based): chr22:30,379,608, C>T on the plus strand (G>A on the coding strand, the complement: RNF215 is on the minus strand). VCF-style: chr22-30379608-C-T. GRCh37 (hg19) VCF-style: chr22-30775597-C-T.
Other names: short protein forms D376N.
Identifiers: ClinVar variation 4838723 (VCV004838723.1).
Genomic context (GRCh38, chr22:30,379,608, plus strand): 5'-CGGGGTGCAGGCAGGAAGGGTCCATCCCCATGTGCAGAGTCCAGCTGGGCAGCTAATCAT[C>T]GGAGTAGCGGTTCCCTGCAGGGGAGGGGAAGAAGAACAGGGAGAGAGGCATCAGGTGAGG-3'
Protein context (NP_001017981.1, residues 366-377): KFNVLGNRYS[Asp376Asn]D

ClinVar aggregate classification (germline): Uncertain significance (1 of 4 stars; one submission).

gnomAD v4.1: 19 of 1,550,872 alleles (0.0012%); highest among the groups gnomAD compares: Non-Finnish European, 0.0015%; no homozygotes.

Submission:

Ambry Genetics
Classification: Uncertain significance. Last evaluated: 2025-12-30. Review status: criteria provided, single submitter. Criteria: Ambry Variant Classification Scheme 2023. Collection method: clinical testing. Allele origin: germline.
Comment: The c.1126G>A (p.D376N) alteration is located in exon 9 (coding exon 9) of the RNF215 gene. This alteration results from a G to A substitution at nucleotide position 1126, causing the aspartic acid (D) at amino acid position 376 to be replaced by an asparagine (N). Based on data from gnomAD, the A allele has an overall frequency of <0.001% (0/156622) total alleles studied. The highest observed frequency was <0.001% (/) of alleles. Based on insufficient or conflicting evidence, the clinical significance of this alteration remains unclear.